The following is an entry in ClinVar:

ClinVar aggregate classification (germline): Benign/Likely benign. Review status: criteria provided, multiple submitters, no conflicts (2 of 4 stars). 3 submissions from 3 submitters: Benign (1); Likely benign (2). Last evaluated 2026-05-05.

Allele frequency attached by ClinVar (database versions not stated): TOPMed below 0.00001; ExAC 0.00003.
gnomAD v4.1: 15 of 1,612,722 alleles (0.00093%); highest among the groups gnomAD compares: South Asian, 0.0066%; no homozygotes.

Submissions (3):

Revvity Omics, Revvity
Classification: Benign. Last evaluated: 2026-05-05. Review status: criteria provided, single submitter. Criteria: ACMG Guidelines, 2015. Collection method: clinical testing. Allele origin: germline.

Labcorp Genetics (formerly Invitae), Labcorp
Classification: Likely benign. Last evaluated: 2025-07-21. Review status: criteria provided, single submitter. Criteria: Invitae Variant Classification Sherloc (09022015). Collection method: clinical testing. Allele origin: germline.

CeGaT Center for Human Genetics Tuebingen
Classification: Likely benign. Last evaluated: 2022-09-01. Review status: criteria provided, single submitter. Criteria: CeGaT Center For Human Genetics Tuebingen Variant Classification Criteria Version 2. Collection method: clinical testing. Allele origin: germline. Affected: yes. Observed: 2 variant alleles.
Comment: CNNM2: BP4, BP7

NM_017649.5(CNNM2):c.1014C>T (p.Ala338=)

Gene: CNNM2 (cyclin and CBS domain divalent metal cation transport mediator 2; plus strand). Cytogenetic location: 10q24.32.
Variant type: single nucleotide variant.
Coding change: c.1014C>T on transcript NM_017649.5 (MANE Select); coding-DNA position 1014, C replaced by T.
Protein change: p.Ala338=; no amino-acid change (alanine 338 retained).
Molecular consequence: synonymous variant.
Genome position (GRCh38, 1-based): chr10:102,919,494, C>T. VCF-style: chr10-102919494-C-T. GRCh37 (hg19) VCF-style: chr10-104679251-C-T.
Other names: c.1014C>T, p.Ala338= (NM_199076.3, NM_199077.3).
Identifiers: ClinVar variation 1711264 (VCV001711264.38), dbSNP rs757625493, ClinGen allele CA5670345.
Genomic context (GRCh38, chr10:102,919,494, plus strand): 5'-ACTGCTGCTGGGCAACGTGCTGGTCAACACCACGCTCACCATCCTGCTCGACGACATCGC[C>T]GGCTCGGGCCTCGTGGCCGTGGTAGTCTCCACCATCGGTATCGTCATCTTCGGAGAGATC-3'
Protein context (NP_060119.3, residues 328-348): TTLTILLDDI[Ala338=]GSGLVAVVVS